The following is an entry in ClinVar:

NM_000361.3(THBD):c.1181T>A (p.Phe394Tyr)

Gene: THBD (thrombomodulin; minus strand). Cytogenetic location: 20p11.21.
Variant type: single nucleotide variant.
Coding change: c.1181T>A on transcript NM_000361.3 (MANE Select); coding-DNA position 1181, T replaced by A.
Protein change: p.Phe394Tyr; replaces phenylalanine 394 with tyrosine.
Molecular consequence: missense variant.
Genome position (GRCh38, 1-based): chr20:23,048,324, A>T on the plus strand (T>A on the coding strand, the complement: THBD is on the minus strand). VCF-style: chr20-23048324-A-T. GRCh37 (hg19) VCF-style: chr20-23028961-A-T.
Other names: short protein forms F394Y.
Identifiers: ClinVar variation 4280574 (VCV004280574.1).

ClinVar aggregate classification (germline): Uncertain significance (1 of 4 stars; one submission).

Conditions:
Thrombomodulin-related bleeding disorder (THPH12). Also called: Thrombophilia due to thrombomodulin defect. Identifiers: Orphanet 436169, MedGen C3280976, MONDO:0013775, OMIM 614486.

Submission:

Genomenon, Inc
Classification: Uncertain significance for Thrombomodulin-related bleeding disorder. Last evaluated: 2025-09-22. Review status: criteria provided, single submitter. Criteria: Genomenon Sequence Variant Interpretation Standards - Updated. Collection method: curation. Allele origin: germline. Affected: no.
Comment: THBD p.Phe394Tyr (c.1181T>A) is a missense variant that changes the amino acid at residue 394 from Phenylalanine to Tyrosine. This variant has been reported in the published literature (PMID:7559494). It is absent or not present at a significant frequency in gnomAD. In conclusion, we classify THBD p.Phe394Tyr (c.1181T>A) as a variant of unknown significance.

Literature cited by the submitters: PubMed 7559494.